The following is an entry in ClinVar:

ClinVar aggregate classification (germline): Conflicting classifications of pathogenicity. Review status: criteria provided, conflicting classifications (1 of 4 stars). 3 submissions from 3 submitters: Uncertain significance (2); Likely benign (1). Last evaluated 2025-09-16.

Conditions:
Inborn genetic diseases. Identifiers: MedGen C0950123, MeSH D030342.

Allele frequency attached by ClinVar (database versions not stated): 1000 Genomes Project 30x 0.00016; 1000 Genomes Project 0.00020; TOPMed 0.00022; gnomAD 0.00025; ExAC 0.00026; gnomAD exomes 0.00027 and 0.00074; ESP Exome Variant Server 0.00031.
gnomAD v4.1: 1,091 of 1,614,104 alleles (0.068%); highest among the groups gnomAD compares: East Asian, 0.11%; no homozygotes.

Submissions (3):

Ambry Genetics
Classification: Likely benign for Inborn genetic diseases. Last evaluated: 2025-09-16. Review status: criteria provided, single submitter. Criteria: Ambry Variant Classification Scheme 2023. Collection method: clinical testing. Allele origin: germline.

Labcorp Genetics (formerly Invitae), Labcorp
Classification: Uncertain significance. Last evaluated: 2022-08-09. Review status: criteria provided, single submitter. Criteria: Invitae Variant Classification Sherloc (09022015). Collection method: clinical testing. Allele origin: germline.
Comment: This sequence change replaces arginine, which is basic and polar, with glutamine, which is neutral and polar, at codon 1078 of the DENND5A protein (p.Arg1078Gln). This variant is present in population databases (rs117315126, gnomAD 0.06%). This variant has not been reported in the literature in individuals affected with DENND5A-related conditions. ClinVar contains an entry for this variant (Variation ID: 1525419). Algorithms developed to predict the effect of missense changes on protein structure and function (SIFT, PolyPhen-2, Align-GVGD) all suggest that this variant is likely to be tolerated. In summary, the available evidence is currently insufficient to determine the role of this variant in disease. Therefore, it has been classified as a Variant of Uncertain Significance.

CeGaT Center for Human Genetics Tuebingen
Classification: Uncertain significance. Last evaluated: 2022-03-01. Review status: criteria provided, single submitter. Criteria: CeGaT Center For Human Genetics Tuebingen Variant Classification Criteria Version 2. Collection method: clinical testing. Allele origin: germline. Affected: yes. Observed: 1 variant allele.
Comment: DENND5A: PP3

NM_015213.4(DENND5A):c.3233G>A (p.Arg1078Gln)

Gene: DENND5A (DENN domain containing 5A; minus strand). Cytogenetic location: 11p15.4.
Variant type: single nucleotide variant.
Coding change: c.3233G>A on transcript NM_015213.4 (MANE Select); coding-DNA position 3233, G replaced by A.
Protein change: p.Arg1078Gln; replaces arginine 1078 with glutamine.
Molecular consequence: missense variant. On other transcripts: non-coding transcript variant (1).
Genome position (GRCh38, 1-based): chr11:9,144,168, C>T on the plus strand (G>A on the coding strand, the complement: DENND5A is on the minus strand). VCF-style: chr11-9144168-C-T. GRCh37 (hg19) VCF-style: chr11-9165715-C-T.
Other names: c.3233G>A, p.Arg1078Gln (NM_001243254.2); c.3161G>A, p.Arg1054Gln (NM_001348749.2); c.2945G>A, p.Arg982Gln (NM_001348750.2); c.3233G>A (NM_015213.3); short protein forms R1078Q, R982Q, R1054Q.
Identifiers: ClinVar variation 1525419 (VCV001525419.26), dbSNP rs117315126, ClinGen allele CA5877096.